The following is an entry in ClinVar:

ClinVar aggregate classification (germline): Uncertain significance. Review status: criteria provided, multiple submitters, no conflicts (2 of 4 stars). 2 submissions from 2 submitters: Uncertain significance (2). Last evaluated 2024-05-03.

Conditions:
Cone-rod dystrophy 20 (CORD20). Identifiers: Orphanet 1872, MedGen C4014856, MONDO:0014427, OMIM 615973.

Allele frequency attached by ClinVar (database versions not stated): gnomAD exomes below 0.00001 and 0.00001; ExAC 0.00001; gnomAD 0.00005; TOPMed 0.00005.
gnomAD v4.1: 10 of 1,614,050 alleles (0.00062%); highest among the groups gnomAD compares: African/African-American, 0.012%; no homozygotes.

Submissions (2):

Fulgent Genetics
Classification: Uncertain significance for Cone-rod dystrophy 20. Last evaluated: 2024-05-03. Review status: criteria provided, single submitter. Criteria: ACMG Guidelines, 2015. Collection method: clinical testing. Allele origin: germline.

Labcorp Genetics (formerly Invitae), Labcorp
Classification: Uncertain significance. Last evaluated: 2022-08-09. Review status: criteria provided, single submitter. Criteria: Invitae Variant Classification Sherloc (09022015). Collection method: clinical testing. Allele origin: germline.
Comment: In summary, the available evidence is currently insufficient to determine the role of this variant in disease. Therefore, it has been classified as a Variant of Uncertain Significance. Algorithms developed to predict the effect of missense changes on protein structure and function (SIFT, PolyPhen-2, Align-GVGD) all suggest that this variant is likely to be tolerated. ClinVar contains an entry for this variant (Variation ID: 1052229). This variant has not been reported in the literature in individuals affected with POC1B-related conditions. This variant is present in population databases (rs774341328, gnomAD 0.007%). This sequence change replaces threonine, which is neutral and polar, with serine, which is neutral and polar, at codon 406 of the POC1B protein (p.Thr406Ser).

NM_172240.3(POC1B):c.1216A>T (p.Thr406Ser)

Genes: POC1B (POC1 centriolar protein B; minus strand), POC1B-DUSP6 (POC1B-DUSP6 readthrough; minus strand). Cytogenetic location: 12q21.33.
Variant type: single nucleotide variant.
Coding change: c.1216A>T on transcript NM_172240.3 (MANE Select); coding-DNA position 1216, A replaced by T.
Protein change: p.Thr406Ser; replaces threonine 406 with serine.
Molecular consequence: missense variant. On other transcripts: non-coding transcript variant (2).
Genome position (GRCh38, 1-based): chr12:89,425,277, T>A on the plus strand (A>T on the coding strand, the complement: POC1B is on the minus strand). VCF-style: chr12-89425277-T-A. GRCh37 (hg19) VCF-style: chr12-89819054-T-A.
Other names: c.1090A>T, p.Thr364Ser (NM_001199777.2); short protein forms T364S, T406S.
Identifiers: ClinVar variation 1052229 (VCV001052229.10), dbSNP rs774341328, ClinGen allele CA6714230.